The following is an entry in ClinVar:

NM_032383.5(HPS3):c.2587C>T (p.Gln863Ter)

Genes: CP (ceruloplasmin; minus strand), HPS3 (HPS3 biogenesis of lysosomal organelles complex 2 subunit 1; plus strand). Cytogenetic location: 3q24.
Variant type: single nucleotide variant.
Coding change: c.2587C>T on transcript NM_032383.5 (MANE Select); coding-DNA position 2587, C replaced by T.
Protein change: p.Gln863Ter; replaces glutamine 863 with a stop codon.
Molecular consequence: nonsense.
Genome position (GRCh38, 1-based): chr3:149,163,947, C>T. VCF-style: chr3-149163947-C-T. GRCh37 (hg19) VCF-style: chr3-148881734-C-T.
Other names: c.2587C>T (NM_032383.4); c.2092C>T, p.Gln698Ter (NM_001308258.2); short protein forms Q698*, Q863*.
Identifiers: ClinVar variation 1069806 (VCV001069806.10), dbSNP rs2108173648, ClinGen allele CA354924900.
Genomic context (GRCh38, chr3:149,163,947, plus strand): 5'-GTCGTAATATCATCTGATTCTTTAGCTGATAAAAATTATACAGAAGATCTTTCAAAATTA[C>T]AGGTAAGTAAAAATACCTCCTTTTCTTATGAAATTGCATATTACAATATAGTGTAAGATT-3'

ClinVar aggregate classification (germline): Pathogenic/Likely pathogenic. Review status: criteria provided, multiple submitters, no conflicts (2 of 4 stars). 3 submissions from 3 submitters: Pathogenic (1); Likely pathogenic (2). Last evaluated 2024-07-20.

Conditions:
Hermansky-Pudlak syndrome 3 (HPS3). Identifiers: Orphanet 231512, Orphanet 79430, MedGen C3888001, MONDO:0013555, OMIM 614072.
Hermansky-Pudlak syndrome (HPS). Also called: ALBINISM WITH HEMORRHAGIC DIATHESIS AND PIGMENTED RETICULOENDOTHELIAL CELLS. Identifiers: Orphanet 79430, MedGen C0079504, MONDO:0019312.

Allele frequency attached by ClinVar (database versions not stated): gnomAD exomes below 0.00001.
gnomAD v4.1: 2 of 1,425,574 alleles (0.00014%); highest among the groups gnomAD compares: Non-Finnish European, 0.000099%; no homozygotes.

Submissions (3):

Natera, Inc.
Classification: Likely pathogenic for Hermansky-Pudlak syndrome. Last evaluated: 2024-07-20. Review status: criteria provided, single submitter. Criteria: Natera Variant Classification Schema (03/2026). Collection method: clinical testing. Allele origin: germline.
Comment: The c.2587C>T variant in HPS3 is a nonsense variant predicted to introduce a stop codon at amino acid 863. This variant is expected to result in nonsense mediated decay, truncation, or a dysfunctional protein product. This variant is rare in the general population with a frequency below the threshold expected for the associated phenotype(s). Given the available evidence, this variant is classified as Likely Pathogenic.

Labcorp Genetics (formerly Invitae), Labcorp
Classification: Pathogenic. Last evaluated: 2023-12-12. Review status: criteria provided, single submitter. Criteria: Invitae Variant Classification Sherloc (09022015). Collection method: clinical testing. Allele origin: germline.
Comment: This sequence change creates a premature translational stop signal (p.Gln863*) in the HPS3 gene. It is expected to result in an absent or disrupted protein product. Loss-of-function variants in HPS3 are known to be pathogenic (PMID: 11590544). This variant is not present in population databases (gnomAD no frequency). This variant has not been reported in the literature in individuals affected with HPS3-related conditions. ClinVar contains an entry for this variant (Variation ID: 1069806). For these reasons, this variant has been classified as Pathogenic.

Baylor Genetics
Classification: Likely pathogenic for Hermansky-Pudlak syndrome 3. Last evaluated: 2023-11-22. Review status: criteria provided, single submitter. Criteria: ACMG Guidelines, 2015. Collection method: clinical testing. Allele origin: unknown.

Literature cited by the submitters: PubMed 11590544 (cited by Labcorp Genetics (formerly Invitae), Labcorp).